The following is an entry in ClinVar:

NM_014014.5(SNRNP200):c.831T>C (p.Asp277=)

Gene: SNRNP200 (small nuclear ribonucleoprotein U5 subunit 200; minus strand). Cytogenetic location: 2q11.2.
Variant type: single nucleotide variant.
Coding change: c.831T>C on transcript NM_014014.5 (MANE Select); coding-DNA position 831, T replaced by C.
Protein change: p.Asp277=; no amino-acid change (aspartic acid 277 retained).
Molecular consequence: synonymous variant.
Genome position (GRCh38, 1-based): chr2:96,298,866, A>G on the plus strand (T>C on the coding strand, the complement: SNRNP200 is on the minus strand). VCF-style: chr2-96298866-A-G. GRCh37 (hg19) VCF-style: chr2-96964604-A-G.
Identifiers: ClinVar variation 4983699 (VCV004983699.1).

ClinVar aggregate classification (germline): Likely benign (1 of 4 stars; one submission).

Conditions:
SNRNP200-related disorder. Also called: SNRNP200-related condition.

gnomAD v4.1: 8 of 1,614,206 alleles (0.0005%); highest among the groups gnomAD compares: Admixed American, 0.0017%; no homozygotes.

Submission:

PreventionGenetics, part of Exact Sciences
Classification: Likely benign for SNRNP200-related condition. Last evaluated: 2024-11-17. Review status: criteria provided, single submitter. Criteria: ACMG Guidelines, 2015. Collection method: clinical testing. Allele origin: germline.
Comment: This variant is classified as likely benign based on ACMG/AMP sequence variant interpretation guidelines (Richards et al. 2015 PMID: 25741868, with internal and published modifications).